The following is an entry in ClinVar:

ClinVar aggregate classification (germline): Conflicting classifications of pathogenicity. Review status: criteria provided, conflicting classifications (1 of 4 stars). 2 submissions from 2 submitters: Likely pathogenic (1); Uncertain significance (1). Last evaluated 2024-08-12.

Conditions:
RP1L1-related disorder. Also called: RP1L1-related condition.

Submissions (2):

Labcorp Genetics (formerly Invitae), Labcorp
Classification: Uncertain significance. Last evaluated: 2024-08-12. Review status: criteria provided, single submitter. Criteria: Invitae Variant Classification Sherloc (09022015). Collection method: clinical testing. Allele origin: germline.
Comment: This sequence change creates a premature translational stop signal (p.Leu129*) in the RP1L1 gene. It is expected to result in an absent or disrupted protein product. However, the current clinical and genetic evidence is not sufficient to establish whether loss-of-function variants in RP1L1 cause disease. This variant is not present in population databases (gnomAD no frequency). This variant has not been reported in the literature in individuals affected with RP1L1-related conditions. In summary, the available evidence is currently insufficient to determine the role of this variant in disease. Therefore, it has been classified as a Variant of Uncertain Significance.

Blueprint Genetics
Classification: Likely pathogenic for RP1L1-related disorders. Last evaluated: 2022-08-18. Review status: criteria provided, single submitter. Criteria: ACMG Guidelines, 2015. Collection method: clinical testing. Allele origin: germline. Affected: yes. Observed: 2 variant alleles.

NM_178857.6(RP1L1):c.386T>A (p.Leu129Ter)

Gene: RP1L1 (RP1 like 1). Cytogenetic location: 8p23.1.
Variant type: single nucleotide variant.
Coding change: c.386T>A on transcript NM_178857.6 (MANE Select); coding-DNA position 386, T replaced by A.
Protein change: p.Leu129Ter; replaces leucine 129 with a stop codon.
Molecular consequence: nonsense.
Genome position (GRCh38, 1-based): chr8:10,622,816, A>T on the plus strand (T>A on the coding strand, the complement: RP1L1 is on the minus strand). VCF-style: chr8-10622816-A-T. GRCh37 (hg19) VCF-style: chr8-10480326-A-T.
Other names: short protein forms L129*.
Identifiers: ClinVar variation 3662177 (VCV003662177.3).
Genomic context (GRCh38, chr8:10,622,816, plus strand): 5'-TTAAGACTCTTCCGGGAGGAGGAGGTGCCTGGGGCTTCACGCTGGCCTTCGACATCCCGC[A>T]ACTGCTGAGCAGTGGGGTTTCTCTCCTGTGGCCGGCCTGGTCCACTGGGGGTCTTGGGGG-3'